The following is an entry in ClinVar:

ClinVar aggregate classification (germline): Uncertain significance (1 of 4 stars; one submission).

Conditions:
Anemia, nonspherocytic hemolytic, due to G6PD deficiency (CNSHA1). Also called: ANEMIA, CONGENITAL, NONSPHEROCYTIC HEMOLYTIC, 1; Class I glucose-6-phosphate dehydrogenase deficiency; Favism, susceptibility to; Hemolytic anemia due to G6PD deficiency. Identifiers: Orphanet 466026, MedGen C2720289, MONDO:0010480, OMIM 300908.

Submission:

Labcorp Genetics (formerly Invitae), Labcorp
Classification: Uncertain significance for Anemia, nonspherocytic hemolytic, due to G6PD deficiency. Last evaluated: 2022-11-08. Review status: criteria provided, single submitter. Criteria: Invitae Variant Classification Sherloc (09022015). Collection method: clinical testing. Allele origin: germline.
Comment: In summary, the available evidence is currently insufficient to determine the role of this variant in disease. Therefore, it has been classified as a Variant of Uncertain Significance. Advanced modeling of protein sequence and biophysical properties (such as structural, functional, and spatial information, amino acid conservation, physicochemical variation, residue mobility, and thermodynamic stability) performed at Invitae indicates that this missense variant is expected to disrupt G6PD protein function. This variant has not been reported in the literature in individuals affected with G6PD-related conditions. This variant is not present in population databases (gnomAD no frequency). This sequence change replaces phenylalanine, which is neutral and non-polar, with serine, which is neutral and polar, at codon 26 of the G6PD protein (p.Phe26Ser).

NM_001360016.2(G6PD):c.77T>C (p.Phe26Ser)

Genes: G6PD (glucose-6-phosphate dehydrogenase; minus strand), IKBKG (inhibitor of nuclear factor kappa B kinase regulatory subunit gamma; plus strand). Cytogenetic location: Xq28.
Variant type: single nucleotide variant.
Coding change: c.77T>C on transcript NM_001360016.2 (MANE Select); coding-DNA position 77, T replaced by C.
Protein change: p.Phe26Ser; replaces phenylalanine 26 with serine.
Molecular consequence: missense variant. On other transcripts: intron variant (4).
Genome position (GRCh38, 1-based): chrX:154,546,079, A>G on the plus strand (T>C on the coding strand, the complement: G6PD is on the minus strand). VCF-style: chrX-154546079-A-G. GRCh37 (hg19) VCF-style: chrX-153774294-A-G.
Other names: c.167T>C, p.Phe56Ser (NM_000402.4); c.77T>C, p.Phe26Ser (NM_001042351.3); c.-16+4688A>G (NM_001377312.1, NM_001377313.1); c.189+3627A>G (NM_001099856.6); c.-16+3692A>G (NM_001321396.3); short protein forms F26S, F56S.
Identifiers: ClinVar variation 1717047 (VCV001717047.6), dbSNP rs2523308623, ClinGen allele CA415202182.
Genomic context (GRCh38, chrX:154,546,079, plus strand): 5'-GCCTGGGAGATACTCACCGATGCACCCATGATGATGAATATGTGTGTATCCGACTGATGG[A>G]AGGCATCGCCCTGGAAAAGCTCTTCCCGCAGGATCCCGCACACCTGGGTCCGGCTCAGGG-3'
Protein context (NP_001346945.1, residues 16-36): LREELFQGDA[Phe26Ser]HQSDTHIFII